The following is an entry in ClinVar:

ClinVar aggregate classification (germline): Pathogenic (1 of 4 stars; one submission).

Submission:

Labcorp Genetics (formerly Invitae), Labcorp
Classification: Pathogenic. Last evaluated: 2026-01-31. Review status: criteria provided, single submitter. Criteria: Invitae Variant Classification Sherloc (09022015). Collection method: clinical testing. Allele origin: germline.
Comment: This sequence change creates a premature translational stop signal (p.Gly2092Leufs*5) in the POLE gene. It is expected to result in an absent or disrupted protein product. Loss-of-function variants in POLE are known to be pathogenic (PMID: 23230001, 25948378, 30503519). This variant is not present in population databases (gnomAD no frequency). This variant has not been reported in the literature in individuals affected with POLE-related conditions. ClinVar contains an entry for this variant (Variation ID: 642034). For these reasons, this variant has been classified as Pathogenic.

Literature cited by the submitters: PubMed 23230001; PubMed 25948378; PubMed 30503519.

NM_006231.4(POLE):c.6273_6280del (p.Gly2092fs)

Gene: POLE (DNA polymerase epsilon, catalytic subunit; minus strand). Cytogenetic location: 12q24.33.
Variant type: Deletion.
Coding change: c.6273_6280del on transcript NM_006231.4 (MANE Select); coding-DNA positions 6273 to 6280, 8 bases deleted (CGGTTCCC; older notation c.6273_6280delCGGTTCCC).
Protein change: p.Gly2092fs; shifts the reading frame from glycine 2092.
Molecular consequence: frameshift variant.
Genome position (GRCh38, 1-based): chr12:132,632,365-132,632,372, GGGAACCG deleted on the plus strand (CGGTTCCC on the coding strand, the reverse complement: POLE is on the minus strand); deleting any 8 consecutive bases within chr12:132,632,365-132,632,376 gives the same sequence; the c. name uses the placement nearest the transcript's 3' end. VCF-style (leftmost placement, unchanged base first): chr12-132632364-TGGGAACCG-T. GRCh37 (hg19) VCF-style: chr12-133208950-TGGGAACCG-T.
Other names: c.6273_6280delCGGTTCCC (NM_006231.3); short protein forms G2092fs.
Identifiers: ClinVar variation 642034 (VCV000642034.8), dbSNP rs1593707749, ClinGen allele CA915946790.
Genomic context (GRCh38, chr12:132,632,364, plus strand): 5'-GGCACTCTCACCTTGCACACGTATTTGATGAACTCCAGGGCAGGGTTATTGAGCAGCAAG[TGGGAACCG>T]GGGAGGACAGGAAACATCTCTGAGAGCTCAGTGGAGTTCCGAGAGCCTGTGACTTTCTTC-3'